The following is an entry in ClinVar:

ClinVar aggregate classification (germline): Uncertain significance. Review status: criteria provided, multiple submitters, no conflicts (2 of 4 stars). 3 submissions from 3 submitters: Uncertain significance (3). Last evaluated 2026-01-12.

Conditions:
Cardiovascular phenotype. Identifiers: MedGen CN230736.

Allele frequency attached by ClinVar (database versions not stated): gnomAD exomes 0.00001; ExAC 0.00002; gnomAD 0.00007; TOPMed 0.00009.
gnomAD v4.1: 24 of 1,613,326 alleles (0.0015%); highest among the groups gnomAD compares: African/African-American, 0.02%; no homozygotes.

Submissions (3):

Women's Health and Genetics/Laboratory Corporation of America, LabCorp
Classification: Uncertain significance. Last evaluated: 2026-01-12. Review status: criteria provided, single submitter. Criteria: LabCorp Variant Classification Summary - May 2015. Collection method: clinical testing. Allele origin: germline.
Comment: Variant summary: TTN c.51538C>T (p.Arg17180Trp) results in a non-conservative amino acid change in the encoded protein sequence. Algorithms developed to predict the effect of missense changes on protein structure and function are either unavailable or do not agree on the potential impact of this missense change. The variant allele was found at a frequency of 1.6e-05 in 248670 control chromosomes. The available data on variant occurrences in the general population are insufficient to allow any conclusion about variant significance. To our knowledge, no occurrence of c.51538C>T in individuals affected with TTN-related conditions and no experimental evidence demonstrating its impact on protein function have been reported. ClinVar contains an entry for this variant (Variation ID: 1728849). Based on the evidence outlined above, the variant was classified as uncertain significance.

Revvity Omics, Revvity
Classification: Uncertain significance. Last evaluated: 2020-11-06. Review status: criteria provided, single submitter. Criteria: ACMG Guidelines, 2015. Collection method: clinical testing. Allele origin: germline.

Ambry Genetics
Classification: Uncertain significance for Cardiovascular phenotype. Last evaluated: 2019-04-19. Review status: criteria provided, single submitter. Criteria: Ambry Variant Classification Scheme 2023. Collection method: clinical testing. Allele origin: germline.
Comment: The p.R10683W variant (also known as c.32047C>T), located in coding exon 127 of the TTN gene, results from a C to T substitution at nucleotide position 32047. The arginine at codon 10683 is replaced by tryptophan, an amino acid with dissimilar properties. This amino acid position is not well conserved in available vertebrate species. In addition, this alteration is predicted to be tolerated by in silico analysis. Since supporting evidence is limited at this time, the clinical significance of this alteration remains unclear.

NM_001267550.2(TTN):c.59242C>T (p.Arg19748Trp)

Genes: TTN-AS1 (TTN antisense RNA 1; plus strand), TTN (titin; minus strand). Cytogenetic location: 2q31.2.
Variant type: single nucleotide variant.
Coding change: c.59242C>T on transcript NM_001267550.2 (MANE Select); coding-DNA position 59242, C replaced by T.
Protein change: p.Arg19748Trp; replaces arginine 19748 with tryptophan.
Molecular consequence: missense variant.
Genome position (GRCh38, 1-based): chr2:178,592,877, G>A on the plus strand (C>T on the coding strand, the complement: TTN is on the minus strand). VCF-style: chr2-178592877-G-A. GRCh37 (hg19) VCF-style: chr2-179457604-G-A.
Other names: c.54319C>T, p.Arg18107Trp (NM_001256850.1); c.32047C>T, p.Arg10683Trp (NM_003319.4); c.51538C>T, p.Arg17180Trp (NM_133378.4); c.32422C>T, p.Arg10808Trp (NM_133432.3); c.32623C>T, p.Arg10875Trp (NM_133437.4); short protein forms R10875W, R17180W, R18107W, R19748W, R10808W, R10683W.
Identifiers: ClinVar variation 1728849 (VCV001728849.6), dbSNP rs780429608, ClinGen allele CA1992697.